The following is an entry in ClinVar:

ClinVar aggregate classification (germline): Likely benign (1 of 4 stars; one submission).

Submission:

CeGaT Center for Human Genetics Tuebingen
Classification: Likely benign. Last evaluated: 2026-07-01. Review status: criteria provided, single submitter. Criteria: CeGaT Center For Human Genetics Tuebingen Variant Classification Criteria Version 2. Collection method: clinical testing. Allele origin: germline. Affected: yes. Observed: 2 variant alleles.
Comment: PAPSS2: BS2

NM_001015880.2(PAPSS2):c.381+11_381+24dup

Gene: PAPSS2 (3'-phosphoadenosine 5'-phosphosulfate synthase 2; plus strand). Cytogenetic location: 10q23.31.
Variant type: Duplication.
Coding change: c.381+11_381+24dup on transcript NM_001015880.2 (MANE Select); bases 11 to 24 of the intron after coding-DNA position 381, 14 bases duplicated (AAAAAAAAAAAAAA).
Molecular consequence: intron variant.
Genome position (GRCh38, 1-based): chr10:87,713,321-87,713,334, AAAAAAAAAAAAAA duplicated; duplicating any 14 consecutive bases within chr10:87,713,313-87,713,334 gives the same sequence; the c. name uses the placement nearest the transcript's 3' end. VCF-style (leftmost placement, unchanged base first): chr10-87713312-T-TAAAAAAAAAAAAAA. GRCh37 (hg19) VCF-style: chr10-89473069-T-TAAAAAAAAAAAAAA.
Other names: c.381+11_381+24dup (NM_004670.4).
Identifiers: ClinVar variation 4084401 (VCV004084401.8).